The following is an entry in ClinVar:

ClinVar aggregate classification (germline): Uncertain significance (1 of 4 stars; one submission).

Allele frequency attached by ClinVar (database versions not stated): gnomAD exomes 0.00001; TOPMed 0.00001; ExAC 0.00002.
gnomAD v4.1: 18 of 1,613,798 alleles (0.0011%); highest among the groups gnomAD compares: Middle Eastern, 0.017%; no homozygotes.

Submission:

Ambry Genetics
Classification: Uncertain significance. Last evaluated: 2023-02-15. Review status: criteria provided, single submitter. Criteria: Ambry Variant Classification Scheme 2023. Collection method: clinical testing. Allele origin: germline.
Comment: The p.S1058L variant (also known as c.3173C>T), located in coding exon 27 of the PRKDC gene, results from a C to T substitution at nucleotide position 3173. The serine at codon 1058 is replaced by leucine, an amino acid with dissimilar properties. This amino acid position is conserved. In addition, this alteration is predicted to be deleterious by in silico analysis. Since supporting evidence is limited at this time, the clinical significance of this alteration remains unclear.

NM_006904.7(PRKDC):c.3173C>T (p.Ser1058Leu)

Gene: PRKDC (protein kinase, DNA-activated, catalytic subunit; minus strand). Cytogenetic location: 8q11.21.
Variant type: single nucleotide variant.
Coding change: c.3173C>T on transcript NM_006904.7 (MANE Select); coding-DNA position 3173, C replaced by T.
Protein change: p.Ser1058Leu; replaces serine 1058 with leucine.
Molecular consequence: missense variant.
Genome position (GRCh38, 1-based): chr8:47,902,665, G>A on the plus strand (C>T on the coding strand, the complement: PRKDC is on the minus strand). VCF-style: chr8-47902665-G-A. GRCh37 (hg19) VCF-style: chr8-48815225-G-A.
Other names: c.3173C>T, p.Ser1058Leu (NM_001081640.2); short protein forms S1058L.
Identifiers: ClinVar variation 2397853 (VCV002397853.2), dbSNP rs756961467, ClinGen allele CA4741257.